The following is an entry in ClinVar:

ClinVar aggregate classification (germline): Uncertain significance (1 of 4 stars; one submission).

Conditions:
RASopathy. Also called: rasopathies; Noonan spectrum disorder. Identifiers: Orphanet 536391, MedGen C5555857, MONDO:0021060.

gnomAD v4.1: 18 of 1,613,788 alleles (0.0011%); highest among the groups gnomAD compares: Non-Finnish European, 0.0014%; no homozygotes.

Submission:

Labcorp Genetics (formerly Invitae), Labcorp
Classification: Uncertain significance for RASopathy. Last evaluated: 2025-04-14. Review status: criteria provided, single submitter. Criteria: Invitae Variant Classification Sherloc (09022015). Collection method: clinical testing. Allele origin: germline.
Comment: This sequence change replaces valine, which is neutral and non-polar, with isoleucine, which is neutral and non-polar, at codon 125 of the NRAS protein (p.Val125Ile). This variant is present in population databases (rs768500865, gnomAD 0.0009%). This variant has not been reported in the literature in individuals affected with NRAS-related conditions. Invitae Evidence Modeling of protein sequence and biophysical properties (such as structural, functional, and spatial information, amino acid conservation, physicochemical variation, residue mobility, and thermodynamic stability) indicates that this missense variant is not expected to disrupt NRAS protein function with a negative predictive value of 95%. In summary, the available evidence is currently insufficient to determine the role of this variant in disease. Therefore, it has been classified as a Variant of Uncertain Significance.

NM_002524.5(NRAS):c.373G>A (p.Val125Ile)

Gene: NRAS (NRAS proto-oncogene, GTPase; minus strand). Cytogenetic location: 1p13.2.
Variant type: single nucleotide variant.
Coding change: c.373G>A on transcript NM_002524.5 (MANE Select); coding-DNA position 373, G replaced by A.
Protein change: p.Val125Ile; replaces valine 125 with isoleucine.
Molecular consequence: missense variant.
Genome position (GRCh38, 1-based): chr1:114,709,646, C>T on the plus strand (G>A on the coding strand, the complement: NRAS is on the minus strand). VCF-style: chr1-114709646-C-T. GRCh37 (hg19) VCF-style: chr1-115252267-C-T.
Other names: short protein forms V125I.
Identifiers: ClinVar variation 4706503 (VCV004706503.1).